The following is an entry in ClinVar:

NM_000059.4(BRCA2):c.1496_1497del (p.Gln499fs)

Gene: BRCA2 (BRCA2 DNA repair associated; plus strand). Cytogenetic location: 13q13.1.
Variant type: Deletion.
Coding change: c.1496_1497del on transcript NM_000059.4 (MANE Select); coding-DNA positions 1496 to 1497, 2 bases deleted (AG; older notation c.1496_1497delAG).
Protein change: p.Gln499fs; shifts the reading frame from glutamine 499.
Molecular consequence: frameshift variant.
Genome position (GRCh38, 1-based): chr13:32,332,974-32,332,975, AG deleted. VCF-style (leftmost placement, unchanged base first): chr13-32332973-CAG-C. GRCh37 (hg19) VCF-style: chr13-32907110-CAG-C.
Other names: 1724delAG; c.1496_1497delAG (NM_000059.3).
Identifiers: ClinVar variation 51134 (VCV000051134.20), dbSNP rs80359285, ClinGen allele CA012219.

ClinVar aggregate classification (germline): Pathogenic. Review status: reviewed by expert panel (3 of 4 stars). 7 submissions from 7 submitters: Pathogenic (1). 6 of the submissions do not count toward it. Last evaluated 2016-09-08.

Conditions:
Hereditary breast ovarian cancer syndrome. Also called: Hereditary breast and ovarian cancer syndrome; Hereditary breast and ovarian cancer; Hereditary breast and ovarian cancer syndrome (HBOC); Breast and ovarian cancer; Hereditary breast and/or ovarian cancer syndrome; BRCA1- and BRCA2-Associated Hereditary Breast and Ovarian Cancer. Identifiers: Orphanet 145, MedGen C0677776, MeSH D061325, MONDO:0003582. Disease mechanism: loss of function.
Breast-ovarian cancer, familial, susceptibility to, 2 (BROVCA2). Also called: BRCA2 Hereditary Breast and Ovarian Cancer. Identifiers: Orphanet 145, MedGen C2675520, MONDO:0012933, OMIM 612555. Disease mechanism: loss of function.
Hereditary cancer-predisposing syndrome. Also called: Neoplastic Syndromes, Hereditary; Tumor predisposition; Hereditary Cancer Syndrome; Hereditary neoplastic syndrome. Identifiers: Orphanet 140162, MedGen C0027672, MeSH D009386, MONDO:0015356.
Familial cancer of breast. Also called: BREAST CANCER, FAMILIAL; Hereditary breast cancer; hereditary breast carcinoma. Identifiers: Orphanet 227535, MedGen C0346153, MONDO:0016419, OMIM 114480. Disease mechanism: loss of function.

Submissions (7):

Evidence-based Network for the Interpretation of Germline Mutant Alleles (ENIGMA)
Classification: Pathogenic for Breast-ovarian cancer, familial, susceptibility to, 2. Last evaluated: 2016-09-08. Review status: reviewed by expert panel. Criteria: ENIGMA BRCA1/2 Classification Criteria (2015). Collection method: curation. Allele origin: germline.
Comment: Variant allele predicted to encode a truncated non-functional protein.

Labcorp Genetics (formerly Invitae), Labcorp
Classification: Pathogenic for Hereditary breast ovarian cancer syndrome. Last evaluated: 2024-11-19. Review status: criteria provided, single submitter. Criteria: Invitae Variant Classification Sherloc (09022015). Collection method: clinical testing. Allele origin: germline. Not counted in ClinVar's aggregate classification.
Comment: This sequence change creates a premature translational stop signal (p.Gln499Argfs*14) in the BRCA2 gene. It is expected to result in an absent or disrupted protein product. Loss-of-function variants in BRCA2 are known to be pathogenic (PMID: 20104584). This variant is not present in population databases (gnomAD no frequency). This premature translational stop signal has been observed in individual(s) with male breast cancer (PMID: 25395318). ClinVar contains an entry for this variant (Variation ID: 51134). For these reasons, this variant has been classified as Pathogenic.

Ambry Genetics
Classification: Pathogenic for Hereditary cancer-predisposing syndrome. Last evaluated: 2024-02-29. Review status: criteria provided, single submitter. Criteria: Ambry Variant Classification Scheme 2023. Collection method: clinical testing. Allele origin: germline. Not counted in ClinVar's aggregate classification.
Comment: The c.1496_1497delAG pathogenic mutation, located in coding exon 9 of the BRCA2 gene, results from a deletion of two nucleotides at nucleotide positions 1496 to 1497, causing a translational frameshift with a predicted alternate stop codon (p.Q499Rfs*14). This alteration was also identified in multiple families in a large, worldwide study of BRCA1/2 mutation positive families (Rebbeck TR et al. Hum. Mutat., 2018 05;39:593-620). This alteration is expected to result in loss of function by premature protein truncation or nonsense-mediated mRNA decay. As such, this alteration is interpreted as a disease-causing mutation.

Baylor Genetics
Classification: Pathogenic for Familial cancer of breast. Last evaluated: 2021-11-10. Review status: criteria provided, single submitter. Criteria: ACMG Guidelines, 2015. Collection method: clinical testing. Allele origin: unknown. Not counted in ClinVar's aggregate classification.

GeneDx
Classification: Pathogenic. Last evaluated: 2017-03-27. Review status: criteria provided, single submitter. Criteria: GeneDx Variant Classification (06012015). Collection method: clinical testing. Allele origin: germline. Affected: yes. Not counted in ClinVar's aggregate classification.
Comment: This deletion of two nucleotides in BRCA2 is denoted c.1496_1497delAG at the cDNA level and p.Gln499ArgfsX14 (Q499RfsX14) at the protein level. Using alternate nomenclature, this variant would be defined as BRCA2 1724delAG. The normal sequence, with the bases that are deleted in brackets, is TTTC[delAG]GGTA. The deletion causes a frameshift which changes a Glutamine to an Arginine at codon 499, and creates a premature stop codon at position 14 of the new reading frame. This variant is predicted to cause loss of normal protein function through either protein truncation or nonsense-mediated mRNA decay. BRCA2 c.1496_1497delAG has been reported in a family with male breast cancer (Coppa 2014). We consider this variant to be pathogenic.

Consortium of Investigators of Modifiers of BRCA1/2 (CIMBA), c/o University of Cambridge
Classification: Pathogenic for Breast-ovarian cancer, familial, susceptibility to, 2. Last evaluated: 2015-10-02. Review status: criteria provided, single submitter. Criteria: CIMBA Mutation Classification guidelines May 2016. Collection method: clinical testing. Allele origin: germline. Not counted in ClinVar's aggregate classification.

Breast Cancer Information Core (BIC) (BRCA2)
Classification: Pathogenic for Breast-ovarian cancer, familial 2. Last evaluated: 1997-11-13. Review status: no assertion criteria provided. Collection method: clinical testing. Allele origin: germline. Affected: yes. Observed: 1 variant allele. Not counted in ClinVar's aggregate classification.

Literature cited by the submitters: PubMed 20104584 (cited by Labcorp Genetics (formerly Invitae), Labcorp); PubMed 25395318 (cited by Labcorp Genetics (formerly Invitae), Labcorp and Ambry Genetics); PubMed 22009639 (cited by Ambry Genetics); PubMed 29446198 (cited by Ambry Genetics).